The following is an entry in ClinVar:

ClinVar aggregate classification (germline): Uncertain significance (1 of 4 stars; one submission).

Conditions:
Retinitis pigmentosa 12 (RP12). Also called: RP WITH OR WITHOUT PRESERVED PARAARTERIOLE RETINAL PIGMENT EPITHELIUM; RETINITIS PIGMENTOSA WITH OR WITHOUT PARAARTERIOLAR PRESERVATION OF RETINAL PIGMENT EPITHELIUM; RP WITH OR WITHOUT PPRPE. Identifiers: Orphanet 791, MedGen C1838647, MONDO:0010818, OMIM 600105.
Leber congenital amaurosis 8 (LCA8). Identifiers: Orphanet 65, MedGen C3151202, MONDO:0013453, OMIM 613835.

Submission:

Labcorp Genetics (formerly Invitae), Labcorp
Classification: Uncertain significance for Leber congenital amaurosis 8; Retinitis pigmentosa 12. Last evaluated: 2020-01-10. Review status: criteria provided, single submitter. Criteria: Invitae Variant Classification Sherloc (09022015). Collection method: clinical testing. Allele origin: germline.
Comment: This variant is not present in population databases (ExAC no frequency). This sequence change replaces proline with arginine at codon 270 of the CRB1 protein (p.Pro270Arg). The proline residue is highly conserved and there is a moderate physicochemical difference between proline and arginine. This variant has not been reported in the literature in individuals with CRB1-related conditions. In summary, the available evidence is currently insufficient to determine the role of this variant in disease. Therefore, it has been classified as a Variant of Uncertain Significance. Algorithms developed to predict the effect of missense changes on protein structure and function (SIFT, PolyPhen-2, Align-GVGD) all suggest that this variant is likely to be disruptive, but these predictions have not been confirmed by published functional studies and their clinical significance is uncertain.

NM_201253.3(CRB1):c.809C>G (p.Pro270Arg)

Gene: CRB1 (crumbs cell polarity complex component 1; plus strand). Cytogenetic location: 1q31.3.
Variant type: single nucleotide variant.
Coding change: c.809C>G on transcript NM_201253.3 (MANE Select); coding-DNA position 809, C replaced by G.
Protein change: p.Pro270Arg; replaces proline 270 with arginine.
Molecular consequence: missense variant. On other transcripts: non-coding transcript variant (2), intron variant (1).
Genome position (GRCh38, 1-based): chr1:197,344,437, C>G. VCF-style: chr1-197344437-C-G. GRCh37 (hg19) VCF-style: chr1-197313567-C-G.
Other names: c.602C>G, p.Pro201Arg (NM_001257965.2); c.809C>G, p.Pro270Arg (NM_001257966.2); c.653-12394C>G (NM_001193640.2); short protein forms P270R, P201R.
Identifiers: ClinVar variation 1037701 (VCV001037701.9), dbSNP rs1659652337, ClinGen allele CA344083471.